The following is an entry in ClinVar:

NM_001369.3(DNAH5):c.9337del (p.Trp3113fs)

Gene: DNAH5 (dynein axonemal heavy chain 5; minus strand). Cytogenetic location: 5p15.2.
Variant type: Deletion.
Coding change: c.9337del on transcript NM_001369.3 (MANE Select); coding-DNA position 9337, one base deleted (T; older notation c.9337delT).
Protein change: p.Trp3113fs; shifts the reading frame from tryptophan 3113.
Molecular consequence: frameshift variant.
Genome position (GRCh38, 1-based): chr5:13,776,475, A deleted on the plus strand (T on the coding strand, the reverse complement: DNAH5 is on the minus strand). VCF-style (leftmost placement, unchanged base first): chr5-13776474-CA-C. GRCh37 (hg19) VCF-style: chr5-13776583-CA-C.
Other names: short protein forms W3113fs.
Identifiers: ClinVar variation 5013902 (VCV005013902.1).

ClinVar aggregate classification (germline): Pathogenic (1 of 4 stars; one submission).

Conditions:
Primary ciliary dyskinesia 3. Identifiers: Orphanet 244, MedGen C1837618, MONDO:0012085, OMIM 608644.

Submission:

Myriad Genetics, Inc.
Classification: Pathogenic for Primary ciliary dyskinesia 3. Last evaluated: 2024-12-31. Review status: criteria provided, single submitter. Criteria: Myriad Autosomal Dominant, Autosomal Recessive and X-Linked Classification Criteria (2023). Collection method: clinical testing. Allele origin: unknown.
Comment: NM_001369.2(DNAH5):c.9337delT(W3113Gfs*10) is expected to be pathogenic in the context of primary ciliary dyskinesia, DNAH5-related. This variant is predicted to lead to an abnormal or absent protein product due to the creation of a premature termination codon in DNAH5, a gene where loss-of-function variants are known to be pathogenic. Please note: this variant was assessed in the context of healthy population screening.